The following is an entry in ClinVar:

ClinVar aggregate classification (germline): Pathogenic/Likely pathogenic. Review status: criteria provided, multiple submitters, no conflicts (2 of 4 stars). 11 submissions from 11 submitters: Pathogenic (9); Likely pathogenic (1). 1 of the submissions does not count toward it. Last evaluated 2026-01-09.

Conditions:
PDHX-related disorders.
Pyruvate dehydrogenase E3-binding protein deficiency (PDHXD). Also called: Lacticacidemia due to PDX1 deficiency; PYRUVATE HYDROGENASE E3-BINDING PROTEIN DEFICIENCY; LACTIC ACIDEMIA DUE TO DEFECT IN LIPOYL-CONTAINING COMPONENT X OF THE PYRUVATE DEHYDROGENASE COMPLEX; E3-Binding Protein (Component X) Deficiency. Identifiers: Orphanet 255182, MedGen C1855553, MONDO:0009503, OMIM 245349.

Allele frequency attached by ClinVar (database versions not stated): gnomAD exomes 0.00001.
gnomAD v4.1: 5 of 1,613,994 alleles (0.00031%); highest among the groups gnomAD compares: South Asian, 0.0011%; no homozygotes.

Submissions (11):

Labcorp Genetics (formerly Invitae), Labcorp
Classification: Pathogenic. Last evaluated: 2026-01-09. Review status: criteria provided, single submitter. Criteria: Invitae Variant Classification Sherloc (09022015). Collection method: clinical testing. Allele origin: germline.
Comment: This sequence change creates a premature translational stop signal (p.Arg446*) in the PDHX gene. While this is not anticipated to result in nonsense mediated decay, it is expected to disrupt the last 56 amino acid(s) of the PDHX protein. This variant is present in population databases (no rsID available, gnomAD 0.003%). This premature translational stop signal has been observed in individual(s) with clinical features of pyruvate dehydrogenase complex deficiency (PMID: 16904023, 25087164). It is commonly reported in individuals of Roma ancestry (PMID: 25087164). This variant is also known as R466X. ClinVar contains an entry for this variant (Variation ID: 162202). Algorithms developed to predict the effect of sequence changes on RNA splicing suggest that this variant may disrupt the consensus splice site. For these reasons, this variant has been classified as Pathogenic.

Victorian Clinical Genetics Services, Murdoch Childrens Research Institute
Classification: Pathogenic for Pyruvate dehydrogenase E3-binding protein deficiency. Last evaluated: 2026-01-05. Review status: criteria provided, single submitter. Criteria: ACMG Guidelines, 2015. Collection method: clinical testing. Allele origin: germline. Affected: yes.
Comment: This variant is classified as Pathogenic. Evidence in support of pathogenic classification: Variant is predicted to result in a truncated protein (premature termination codon is NOT located at least 54 nucleotides upstream of the final exon-exon junction) with less than 1/3 of the protein sequence affected; Variant is present in gnomAD <0.01 for a recessive condition (v4: 5 heterozygote(s), 0 homozygote(s)). - This variant has strong previous evidence of pathogenicity in unrelated individuals. This variant has been classified as pathogenic or likely pathogenic by clinical laboratories in ClinVar. It has also been reported as a founder variant in the Roma population, and seen in a homozygous state in at least twenty individuals with similar clinical manifestations (PMID: 25087164). Additional information: This variant is homozygous; This gene is associated with autosomal recessive disease; Variant is predicted to truncate part of the 2-oxoacid dehydrogenases acyltransferase catalytic domain (DECIPHER). - Loss of function is a known mechanism of disease in this gene and is associated with lacticacidemia due to PDX1 deficiency (MIM#245349) - Variants in this gene are known to have variable expressivity. Severity of phenotype varies, and not all affected individuals have dysmorphic features (OMIM).

Blueprint Genetics
Classification: Pathogenic for PDHX-related disorders. Last evaluated: 2024-09-12. Review status: criteria provided, single submitter. Criteria: ACMG Guidelines, 2015. Collection method: clinical testing. Allele origin: germline. Affected: yes. Observed: 4 variant alleles.

Laboratory of Medical Genetics, National & Kapodistrian University of Athens
Classification: Pathogenic for Pyruvate dehydrogenase E3-binding protein deficiency. Last evaluated: 2024-06-13. Review status: criteria provided, single submitter. Criteria: ACMG Guidelines, 2015. Collection method: clinical testing. Allele origin: germline. Affected: yes.
Comment: PVS1, PS4_mod, PM2- The variant is expected to result in an absent or disrupted protein product. Low frequency in gnomAD population databases. It has been reported in ClinVar as Pathogenic by other laboratories (Variation ID: 162202).

CeGaT Center for Human Genetics Tuebingen
Classification: Pathogenic. Last evaluated: 2023-09-01. Review status: criteria provided, single submitter. Criteria: CeGaT Center For Human Genetics Tuebingen Variant Classification Criteria Version 2. Collection method: clinical testing. Allele origin: germline. Affected: yes. Observed: 7 variant alleles.
Comment: PDHX: PM3:Strong, PVS1:Strong, PM2, PP4

Institute of Human Genetics, University of Leipzig Medical Center
Classification: Pathogenic for Pyruvate dehydrogenase E3-binding protein deficiency. Last evaluated: 2022-07-13. Review status: criteria provided, single submitter. Criteria: ACMG Guidelines, 2015. Collection method: clinical testing. Allele origin: inherited. Inheritance: Autosomal recessive inheritance. Affected: yes.
Comment: Criteria applied: PVS1_STR,PM3_STR,PM2_SUP,PP4

MGZ Medical Genetics Center
Classification: Likely pathogenic for Pyruvate dehydrogenase E3-binding protein deficiency. Last evaluated: 2022-02-11. Review status: criteria provided, single submitter. Criteria: ACMG Guidelines, 2015. Collection method: clinical testing. Allele origin: germline. Affected: yes. Observed: 2 variant alleles.
Comment: ACMG criteria applied: PVS1_MOD, PS4_MOD, PM3, PM2_SUP

Institute of Medical Genetics and Applied Genomics, University Hospital Tübingen
Classification: Pathogenic. Last evaluated: 2020-10-23. Review status: criteria provided, single submitter. Criteria: ACMG Guidelines, 2015. Collection method: clinical testing. Allele origin: germline. Inheritance: Autosomal recessive inheritance. Affected: yes.

Institute of Human Genetics Munich, TUM University Hospital
Classification: Pathogenic for Pyruvate dehydrogenase E3-binding protein deficiency. Last evaluated: 2017-12-09. Review status: criteria provided, single submitter. Criteria: Classification criteria August 2017. Collection method: clinical testing. Allele origin: inherited. Inheritance: Autosomal recessive inheritance. Affected: yes. Observed: 2 homozygotes.

Juno Genomics, Hangzhou Juno Genomics, Inc
Classification: Pathogenic for Pyruvate dehydrogenase E3-binding protein deficiency. Review status: criteria provided, single submitter. Criteria: ACMG Guidelines, 2015. Collection method: clinical testing. Allele origin: germline.
Comment: Absent from controls (or at extremely low frequency if recessive) in Genome Aggregation Database.;Null variant in a gene where loss of function (LOF) is a known mechanism of disease.;For recessive disorders, detected in trans with a pathogenic variant.;Co-segregation with disease in multiple affected family members.;Patient's phenotype or family history is highly specific for a disease with a single genetic etiology.

OMIM
Classification: Pathogenic for PYRUVATE HYDROGENASE E3-BINDING PROTEIN DEFICIENCY. Last evaluated: 2014-09-01. Review status: no assertion criteria provided. Collection method: literature only. Allele origin: germline. Not counted in ClinVar's aggregate classification.

Literature cited by the submitters: PubMed 16904023 (cited by Labcorp Genetics (formerly Invitae), Labcorp); PubMed 25087164 (cited by 3 submitters).

NM_003477.3(PDHX):c.1336C>T (p.Arg446Ter)

Gene: PDHX (pyruvate dehydrogenase complex component X; plus strand). Cytogenetic location: 11p13.
Variant type: single nucleotide variant.
Coding change: c.1336C>T on transcript NM_003477.3 (MANE Select); coding-DNA position 1336, C replaced by T.
Protein change: p.Arg446Ter; replaces arginine 446 with a stop codon.
Molecular consequence: nonsense.
Genome position (GRCh38, 1-based): chr11:34,995,002, C>T. VCF-style: chr11-34995002-C-T. GRCh37 (hg19) VCF-style: chr11-35016549-C-T.
Other names: c.1156C>T, p.Arg386Ter (NM_001135024.2); c.655C>T, p.Arg219Ter (NM_001166158.2); short protein forms R446*, R219*, R386*.
Identifiers: ClinVar variation 162202 (VCV000162202.57), dbSNP rs1135402725, ClinGen allele CA380126938.